The following is an entry in ClinVar:

ClinVar aggregate classification (germline): Uncertain significance (1 of 4 stars; one submission).

Conditions:
HSD17B4-related disorder. Also called: HSD17B4-related condition; HSD17B4-related disorders.

Submission:

PreventionGenetics, part of Exact Sciences
Classification: Uncertain significance for HSD17B4-related condition. Last evaluated: 2026-01-27. Review status: criteria provided, single submitter. Criteria: ACMG Guidelines, 2015. Collection method: clinical testing. Allele origin: germline.
Comment: The HSD17B4 c.937A>G variant is predicted to result in the amino acid substitution p.Thr313Ala. To our knowledge, this variant has not been reported in the literature or in a large population database (gnomAD), indicating this variant is rare. At this time, the clinical significance of this variant is uncertain due to the absence of conclusive functional and genetic evidence.

NM_000414.4(HSD17B4):c.937A>G (p.Thr313Ala)

Gene: HSD17B4 (hydroxysteroid 17-beta dehydrogenase 4; plus strand). Cytogenetic location: 5q23.1.
Variant type: single nucleotide variant.
Coding change: c.937A>G on transcript NM_000414.4 (MANE Select); coding-DNA position 937, A replaced by G.
Protein change: p.Thr313Ala; replaces threonine 313 with alanine.
Molecular consequence: missense variant. On other transcripts: non-coding transcript variant (2).
Genome position (GRCh38, 1-based): chr5:119,496,611, A>G. VCF-style: chr5-119496611-A-G. GRCh37 (hg19) VCF-style: chr5-118832306-A-G.
Other names: c.1012A>G, p.Thr338Ala (NM_001199291.3); c.883A>G, p.Thr295Ala (NM_001199292.2); c.865A>G, p.Thr289Ala (NM_001292027.2); c.517A>G, p.Thr173Ala (NM_001292028.2); c.928A>G, p.Thr310Ala (NM_001374497.1); c.937A>G, p.Thr313Ala (NM_001374498.1); c.610A>G, p.Thr204Ala (NM_001374499.1); c.496A>G, p.Thr166Ala (NM_001374500.1); and 1 more; short protein forms T173A, T204A, T310A, T176A, T338A, T289A, T295A, T166A.
Identifiers: ClinVar variation 4999775 (VCV004999775.1).